The following is an entry in ClinVar:

NM_004168.4(SDHA):c.1549A>G (p.Lys517Glu)

Gene: SDHA (succinate dehydrogenase complex flavoprotein subunit A; plus strand). Cytogenetic location: 5p15.33.
Variant type: single nucleotide variant.
Coding change: c.1549A>G on transcript NM_004168.4 (MANE Select); coding-DNA position 1549, A replaced by G.
Protein change: p.Lys517Glu; replaces lysine 517 with glutamic acid.
Molecular consequence: missense variant.
Genome position (GRCh38, 1-based): chr5:240,474, A>G. VCF-style: chr5-240474-A-G. GRCh37 (hg19) VCF-style: chr5-240589-A-G.
Other names: c.1405A>G, p.Lys469Glu (NM_001294332.2); c.1549A>G, p.Lys517Glu (NM_001330758.2); short protein forms K469E, K517E.
Identifiers: ClinVar variation 239652 (VCV000239652.16), dbSNP rs786205210, ClinGen allele CA358607.

ClinVar aggregate classification (germline): Conflicting classifications of pathogenicity. Review status: criteria provided, conflicting classifications (1 of 4 stars). 4 submissions from 4 submitters: Likely pathogenic (1); Uncertain significance (3). Last evaluated 2025-12-17.

Conditions:
Mitochondrial complex II deficiency, nuclear type 1. Also called: SUCCINATE CoQ REDUCTASE DEFICIENCY. Identifiers: Orphanet 3208, MedGen C5700310, MONDO:0100294, OMIM 252011.
Pheochromocytoma/paraganglioma syndrome 5. Also called: Paragangliomas 5; SDHA-Related Hereditary Paraganglioma-Pheochromocytoma Syndrome. Identifiers: Orphanet 29072, MedGen C3279992, MONDO:0013602, OMIM 614165.
Hereditary cancer-predisposing syndrome. Also called: Tumor predisposition; Hereditary neoplastic syndrome; Hereditary Cancer Syndrome; Neoplastic Syndromes, Hereditary. Identifiers: Orphanet 140162, MedGen C0027672, MeSH D009386, MONDO:0015356.

Allele frequency attached by ClinVar (database versions not stated): gnomAD exomes below 0.00001; TOPMed 0.00001.
gnomAD v4.1: 4 of 1,593,738 alleles (0.00025%); highest among the groups gnomAD compares: Non-Finnish European, 0.00034%; no homozygotes.

Submissions (4):

Labcorp Genetics (formerly Invitae), Labcorp
Classification: Uncertain significance for Pheochromocytoma/paraganglioma syndrome 5; Mitochondrial complex II deficiency, nuclear type 1. Last evaluated: 2025-12-17. Review status: criteria provided, single submitter. Criteria: Invitae Variant Classification Sherloc (09022015). Collection method: clinical testing. Allele origin: germline.
Comment: This sequence change replaces lysine, which is basic and polar, with glutamic acid, which is acidic and polar, at codon 517 of the SDHA protein (p.Lys517Glu). This variant is present in population databases (rs786205210, gnomAD 0.0009%). This variant has not been reported in the literature in individuals affected with SDHA-related conditions. ClinVar contains an entry for this variant (Variation ID: 239652). An algorithm developed to predict the effect of missense changes on protein structure and function (PolyPhen-2) suggests that this variant is likely to be tolerated. In summary, the available evidence is currently insufficient to determine the role of this variant in disease. Therefore, it has been classified as a Variant of Uncertain Significance.

GeneDx
Classification: Uncertain significance. Last evaluated: 2025-07-16. Review status: criteria provided, single submitter. Criteria: GeneDx Variant Classification Process June 2021. Collection method: clinical testing. Allele origin: germline. Affected: yes.
Comment: In silico analysis supports that this missense variant has a deleterious effect on protein structure/function; Not observed at significant frequency in large population cohorts (gnomAD); This variant is associated with the following publications: (PMID: Bahrambeigi2016[Abstract], 34286374)

Ambry Genetics
Classification: Uncertain significance for Hereditary cancer-predisposing syndrome. Last evaluated: 2025-05-16. Review status: criteria provided, single submitter. Criteria: Ambry Variant Classification Scheme 2023. Collection method: clinical testing. Allele origin: germline.
Comment: The p.K517E variant (also known as c.1549A>G), located in coding exon 11 of the SDHA gene, results from an A to G substitution at nucleotide position 1549. The lysine at codon 517 is replaced by glutamic acid, an amino acid with similar properties. This amino acid position is highly conserved in available vertebrate species. In addition, this alteration is predicted to be deleterious by in silico analysis. Based on the available evidence, the clinical significance of this variant remains unclear.

Mendelics
Classification: Likely pathogenic for Mitochondrial complex II deficiency, nuclear type 1. Last evaluated: 2022-06-24. Review status: criteria provided, single submitter. Criteria: Mendelics Assertion Criteria 2019. Collection method: clinical testing. Allele origin: germline.